The following is an entry in ClinVar:

NM_001354930.2(RIPK1):c.1517C>G (p.Pro506Arg)

Gene: RIPK1 (receptor interacting serine/threonine kinase 1; plus strand). Cytogenetic location: 6p25.2.
Variant type: single nucleotide variant.
Coding change: c.1517C>G on transcript NM_001354930.2 (MANE Select); coding-DNA position 1517, C replaced by G.
Protein change: p.Pro506Arg; replaces proline 506 with arginine.
Molecular consequence: missense variant.
Genome position (GRCh38, 1-based): chr6:3,105,992, C>G. VCF-style: chr6-3105992-C-G. GRCh37 (hg19) VCF-style: chr6-3106226-C-G.
Other names: c.1028C>G, p.Pro343Arg (NM_001317061.3, NM_001354932.2, NM_001354933.2 and 1 more transcripts); c.1379C>G, p.Pro460Arg (NM_001354931.2); c.1517C>G, p.Pro506Arg (NM_003804.6); short protein forms P343R, P506R, P460R.
Identifiers: ClinVar variation 4775115 (VCV004775115.2).

ClinVar aggregate classification (germline): Uncertain significance. Review status: criteria provided, multiple submitters, no conflicts (2 of 4 stars). 2 submissions from 2 submitters: Uncertain significance (2). Last evaluated 2025-04-27.

gnomAD v4.1: 5 of 1,613,900 alleles (0.00031%); highest among the groups gnomAD compares: Non-Finnish European, 0.00042%; no homozygotes.

Submissions (2):

Labcorp Genetics (formerly Invitae), Labcorp
Classification: Uncertain significance. Last evaluated: 2025-04-27. Review status: criteria provided, single submitter. Criteria: Invitae Variant Classification Sherloc (09022015). Collection method: clinical testing. Allele origin: germline.
Comment: This sequence change replaces proline, which is neutral and non-polar, with arginine, which is basic and polar, at codon 506 of the RIPK1 protein (p.Pro506Arg). This variant is not present in population databases (gnomAD no frequency). This variant has not been reported in the literature in individuals affected with RIPK1-related conditions. An algorithm developed to predict the effect of missense changes on protein structure and function (PolyPhen-2) suggests that this variant is likely to be disruptive. In summary, the available evidence is currently insufficient to determine the role of this variant in disease. Therefore, it has been classified as a Variant of Uncertain Significance.

Blueprint Genetics
Classification: Uncertain significance. Last evaluated: 2023-10-26. Review status: criteria provided, single submitter. Criteria: ACMG Guidelines, 2015. Collection method: clinical testing. Allele origin: germline.